The following is an entry in ClinVar:

ClinVar aggregate classification (germline): Uncertain significance (1 of 4 stars; one submission).

Conditions:
Shprintzen-Goldberg syndrome (SGS). Also called: Marfanoid disorder with craniosynostosis type 1; Marfanoid craniosynostosis syndrome; Shprintzen-Goldberg marfanoid syndrome; SHPRINTZEN-GOLDBERG CRANIOSYNOSTOSIS SYNDROME; CRANIOSYNOSTOSIS WITH ARACHNODACTYLY AND ABDOMINAL HERNIAS. Identifiers: Orphanet 2462, MedGen C1321551, MONDO:0008426, OMIM 182212.

Submission:

Labcorp Genetics (formerly Invitae), Labcorp
Classification: Uncertain significance for Shprintzen-Goldberg syndrome. Last evaluated: 2024-08-02. Review status: criteria provided, single submitter. Criteria: Invitae Variant Classification Sherloc (09022015). Collection method: clinical testing. Allele origin: germline.
Comment: This sequence change replaces proline, which is neutral and non-polar, with serine, which is neutral and polar, at codon 234 of the SKI protein (p.Pro234Ser). This variant is not present in population databases (gnomAD no frequency). This variant has not been reported in the literature in individuals affected with SKI-related conditions. Advanced modeling of protein sequence and biophysical properties (such as structural, functional, and spatial information, amino acid conservation, physicochemical variation, residue mobility, and thermodynamic stability) performed at Invitae indicates that this missense variant is expected to disrupt SKI protein function with a positive predictive value of 95%. In summary, the available evidence is currently insufficient to determine the role of this variant in disease. Therefore, it has been classified as a Variant of Uncertain Significance.

NM_003036.4(SKI):c.700C>T (p.Pro234Ser)

Gene: SKI (SKI proto-oncogene; plus strand). Cytogenetic location: 1p36.33.
Variant type: single nucleotide variant.
Coding change: c.700C>T on transcript NM_003036.4 (MANE Select); coding-DNA position 700, C replaced by T.
Protein change: p.Pro234Ser; replaces proline 234 with serine.
Molecular consequence: missense variant.
Genome position (GRCh38, 1-based): chr1:2,229,466, C>T. VCF-style: chr1-2229466-C-T. GRCh37 (hg19) VCF-style: chr1-2160905-C-T.
Other names: short protein forms P234S.
Identifiers: ClinVar variation 3633453 (VCV003633453.2).